The following is an entry in ClinVar:

ClinVar aggregate classification (germline): Uncertain significance (1 of 4 stars; one submission).

Allele frequency attached by ClinVar (database versions not stated): gnomAD exomes 0.00002; TOPMed 0.00002; gnomAD 0.00003; ExAC 0.00006; 1000 Genomes Project 0.00020; 1000 Genomes Project 30x 0.00031.
gnomAD v4.1: 43 of 1,613,194 alleles (0.0027%); highest among the groups gnomAD compares: South Asian, 0.0044%; no homozygotes.

Submission:

Labcorp Genetics (formerly Invitae), Labcorp
Classification: Uncertain significance. Last evaluated: 2022-08-23. Review status: criteria provided, single submitter. Criteria: Invitae Variant Classification Sherloc (09022015). Collection method: clinical testing. Allele origin: germline.
Comment: Algorithms developed to predict the effect of missense changes on protein structure and function are either unavailable or do not agree on the potential impact of this missense change (SIFT: "Deleterious"; PolyPhen-2: "Benign"; Align-GVGD: "Class C15"). In summary, the available evidence is currently insufficient to determine the role of this variant in disease. Therefore, it has been classified as a Variant of Uncertain Significance. This variant has not been reported in the literature in individuals affected with HERC1-related conditions. This sequence change replaces glycine, which is neutral and non-polar, with aspartic acid, which is acidic and polar, at codon 3674 of the HERC1 protein (p.Gly3674Asp). This variant is present in population databases (rs550649446, gnomAD 0.006%).

NM_003922.4(HERC1):c.11021G>A (p.Gly3674Asp)

Gene: HERC1 (HECT and RLD domain containing E3 ubiquitin protein ligase family member 1; minus strand). Cytogenetic location: 15q22.31.
Variant type: single nucleotide variant.
Coding change: c.11021G>A on transcript NM_003922.4 (MANE Select); coding-DNA position 11021, G replaced by A.
Protein change: p.Gly3674Asp; replaces glycine 3674 with aspartic acid.
Molecular consequence: missense variant.
Genome position (GRCh38, 1-based): chr15:63,645,540, C>T on the plus strand (G>A on the coding strand, the complement: HERC1 is on the minus strand). VCF-style: chr15-63645540-C-T. GRCh37 (hg19) VCF-style: chr15-63937739-C-T.
Other names: short protein forms G3674D.
Identifiers: ClinVar variation 1931906 (VCV001931906.5), dbSNP rs550649446, ClinGen allele CA7604340.